The following is an entry in ClinVar:

NM_002838.5(PTPRC):c.548G>A (p.Arg183His)

Gene: PTPRC (protein tyrosine phosphatase receptor type C; plus strand). Cytogenetic location: 1q32.1.
Variant type: single nucleotide variant.
Coding change: c.548G>A on transcript NM_002838.5 (MANE Select); coding-DNA position 548, G replaced by A.
Protein change: p.Arg183His; replaces arginine 183 with histidine.
Molecular consequence: missense variant. On other transcripts: intron variant (1).
Genome position (GRCh38, 1-based): chr1:198,702,495, G>A. VCF-style: chr1-198702495-G-A. GRCh37 (hg19) VCF-style: chr1-198671624-G-A.
Other names: c.101-803G>A (NM_080921.4); short protein forms R183H.
Identifiers: ClinVar variation 936412 (VCV000936412.7), dbSNP rs138554556, ClinGen allele CA1314523.

ClinVar aggregate classification (germline): Uncertain significance (1 of 4 stars; one submission).

Conditions:
Immunodeficiency 104. Also called: Severe Combined Immune Deficiency, Autosomal Recessive, TCell -Negative, B Cell-Positive, NK Cell-Positive, IL7R-Related; Severe combined immunodeficiency, autosomal recessive, T cell-negative, B cell-positive, NK cell-positive; IMMUNODEFICIENCY 104, SEVERE COMBINED; SCID, AUTOSOMAL RECESSIVE, T CELL-NEGATIVE, B CELL-POSITIVE, NK CELL-POSITIVE. Identifiers: MedGen C5676890, MONDO:0012163, OMIM 608971.

Allele frequency attached by ClinVar (database versions not stated): gnomAD exomes 0.00001; ExAC 0.00002; TOPMed 0.00002; gnomAD 0.00003 and 0.00004; ESP Exome Variant Server 0.00008.
gnomAD v4.1: 33 of 1,613,974 alleles (0.002%); highest among the groups gnomAD compares: South Asian, 0.0033%; no homozygotes.

Submission:

Labcorp Genetics (formerly Invitae), Labcorp
Classification: Uncertain significance for Immunodeficiency 104. Last evaluated: 2021-12-15. Review status: criteria provided, single submitter. Criteria: Invitae Variant Classification Sherloc (09022015). Collection method: clinical testing. Allele origin: germline.
Comment: This sequence change replaces arginine, which is basic and polar, with histidine, which is basic and polar, at codon 183 of the PTPRC protein (p.Arg183His). This variant is present in population databases (rs138554556, gnomAD 0.004%). This variant has not been reported in the literature in individuals affected with PTPRC-related conditions. ClinVar contains an entry for this variant (Variation ID: 936412). Algorithms developed to predict the effect of missense changes on protein structure and function output the following: SIFT: "Tolerated"; PolyPhen-2: "Benign"; Align-GVGD: "Class C0". The histidine amino acid residue is found in multiple mammalian species, which suggests that this missense change does not adversely affect protein function. In summary, the available evidence is currently insufficient to determine the role of this variant in disease. Therefore, it has been classified as a Variant of Uncertain Significance.